The following is an entry in ClinVar:

ClinVar aggregate classification (germline): Likely benign. Review status: criteria provided, multiple submitters, no conflicts (2 of 4 stars). 2 submissions from 2 submitters: Likely benign (2). Last evaluated 2024-04-01.

Allele frequency attached by ClinVar (database versions not stated): TOPMed 0.00009; gnomAD 0.00011; ESP Exome Variant Server 0.00015.
gnomAD v4.1: 168 of 1,613,918 alleles (0.01%); highest among the groups gnomAD compares: South Asian, 0.026%; 1 homozygote.

Submissions (2):

CeGaT Center for Human Genetics Tuebingen
Classification: Likely benign. Last evaluated: 2024-04-01. Review status: criteria provided, single submitter. Criteria: CeGaT Center For Human Genetics Tuebingen Variant Classification Criteria Version 2. Collection method: clinical testing. Allele origin: germline. Affected: yes. Observed: 1 variant allele.
Comment: STAG1: BS2

Labcorp Genetics (formerly Invitae), Labcorp
Classification: Likely benign. Last evaluated: 2024-03-27. Review status: criteria provided, single submitter. Criteria: Invitae Variant Classification Sherloc (09022015). Collection method: clinical testing. Allele origin: germline.

NM_005862.3(STAG1):c.2009A>G (p.Asn670Ser)

Gene: STAG1 (STAG1 cohesin complex component; minus strand). Cytogenetic location: 3q22.3.
Variant type: single nucleotide variant.
Coding change: c.2009A>G on transcript NM_005862.3 (MANE Select); coding-DNA position 2009, A replaced by G.
Protein change: p.Asn670Ser; replaces asparagine 670 with serine.
Molecular consequence: missense variant.
Genome position (GRCh38, 1-based): chr3:136,422,438, T>C on the plus strand (A>G on the coding strand, the complement: STAG1 is on the minus strand). VCF-style: chr3-136422438-T-C. GRCh37 (hg19) VCF-style: chr3-136141280-T-C.
Other names: short protein forms N670S.
Identifiers: ClinVar variation 2145857 (VCV002145857.24), dbSNP rs201418951, ClinGen allele CA2632756.